The following is an entry in ClinVar:

ClinVar aggregate classification (germline): Pathogenic. Review status: criteria provided, multiple submitters, no conflicts (2 of 4 stars). 3 submissions from 3 submitters: Pathogenic (2). 1 of the submissions does not count toward it. Last evaluated 2025-01-23.

Conditions:
Cole-Carpenter syndrome 2 (CLCRP2). Identifiers: Orphanet 2050, MedGen C4225382, MONDO:0014573, OMIM 616294.

Allele frequency attached by ClinVar (database versions not stated): TOPMed below 0.00001.
gnomAD v4.1: 2 of 1,613,776 alleles (0.00012%); highest among the groups gnomAD compares: Non-Finnish European, 0.00017%; no homozygotes.

Submissions (3):

Labcorp Genetics (formerly Invitae), Labcorp
Classification: Pathogenic. Last evaluated: 2025-01-23. Review status: criteria provided, single submitter. Criteria: Invitae Variant Classification Sherloc (09022015). Collection method: clinical testing. Allele origin: germline.
Comment: This sequence change replaces serine, which is neutral and polar, with phenylalanine, which is neutral and non-polar, at codon 1015 of the SEC24D protein (p.Ser1015Phe). This variant is present in population databases (rs760670617, gnomAD 0.0009%). This missense change has been observed in individual(s) with clinical features of SEC24D-related conditions (PMID: 25683121). In at least one individual the data is consistent with being in trans (on the opposite chromosome) from a pathogenic variant. It has also been observed to segregate with disease in related individuals. ClinVar contains an entry for this variant (Variation ID: 189339). An algorithm developed to predict the effect of missense changes on protein structure and function (PolyPhen-2) suggests that this variant is likely to be disruptive. For these reasons, this variant has been classified as Pathogenic.

Institute of Medical Genetics and Applied Genomics, University Hospital Tübingen
Classification: Pathogenic. Last evaluated: 2020-10-23. Review status: criteria provided, single submitter. Criteria: ACMG Guidelines, 2015. Collection method: clinical testing. Allele origin: germline. Inheritance: Autosomal recessive inheritance. Affected: yes.

OMIM
Classification: Pathogenic for COLE-CARPENTER SYNDROME 2. Last evaluated: 2015-03-05. Review status: no assertion criteria provided. Collection method: literature only. Allele origin: germline. Not counted in ClinVar's aggregate classification.

Literature cited by the submitters: PubMed 25683121 (cited by Labcorp Genetics (formerly Invitae), Labcorp and OMIM).

NM_014822.4(SEC24D):c.3044C>T (p.Ser1015Phe)

Gene: SEC24D (SEC24 homolog D, COPII component; minus strand). Cytogenetic location: 4q26.
Variant type: single nucleotide variant.
Coding change: c.3044C>T on transcript NM_014822.4 (MANE Select); coding-DNA position 3044, C replaced by T.
Protein change: p.Ser1015Phe; replaces serine 1015 with phenylalanine.
Molecular consequence: missense variant.
Genome position (GRCh38, 1-based): chr4:118,723,570, G>A on the plus strand (C>T on the coding strand, the complement: SEC24D is on the minus strand). VCF-style: chr4-118723570-G-A. GRCh37 (hg19) VCF-style: chr4-119644725-G-A.
Other names: c.3047C>T, p.Ser1016Phe (NM_001318066.2); short protein forms S1015F, S1016F.
Identifiers: ClinVar variation 189339 (VCV000189339.5), dbSNP rs760670617, ClinGen allele CA199236.